The following is an entry in ClinVar:

ClinVar aggregate classification (germline): Likely pathogenic (1 of 4 stars; one submission).

Conditions:
Congenital lipoid adrenal hyperplasia due to STAR deficency. Also called: Lipoid adrenal hyperplasia; Congenital Lipoid Adrenal Hyperplasia; Cholesterol monooxygenase (side-chain cleaving) deficiency; ADRENAL HYPERPLASIA I. Identifiers: Orphanet 418, Orphanet 90790, MedGen C0342474, MONDO:0008725, OMIM 201710.

Submission:

Myriad Genetics, Inc.
Classification: Likely pathogenic for Congenital lipoid adrenal hyperplasia due to STAR deficency. Last evaluated: 2022-01-02. Review status: criteria provided, single submitter. Criteria: Myriad Women's Health Autosomal Recessive and X-Linked Classification Criteria (2021). Collection method: clinical testing. Allele origin: unknown.
Comment: NM_000349.2(STAR):c.503_504insTCGT(E169Rfs*16) is expected to be pathogenic in the context of lipoid congenital adrenal hyperplasia. This variant is predicted to lead to an abnormal or absent protein product due to the creation of a premature termination codon in STAR, a gene where loss-of-function variants are known to be pathogenic. Please note: this variant was assessed in the context of healthy population screening.

NM_000349.3(STAR):c.503_504insTCGT (p.Glu169fs)

Gene: STAR (steroidogenic acute regulatory protein; minus strand). Cytogenetic location: 8p11.23.
Variant type: Insertion.
Coding change: c.503_504insTCGT on transcript NM_000349.3 (MANE Select); coding-DNA positions 503 to 504, TCGT inserted.
Protein change: p.Glu169fs; shifts the reading frame from glutamic acid 169.
Molecular consequence: frameshift variant.
Genome position: GRCh38 VCF-style: chr8-38146109-G-GACGA. GRCh37 (hg19) VCF-style: chr8-38003627-G-GACGA.
Other names: short protein forms E169fs.
Identifiers: ClinVar variation 1726926 (VCV001726926.2), dbSNP rs2487062209, ClinGen allele CA2580078224.